The following is an entry in ClinVar:

ClinVar aggregate classification (germline): Conflicting classifications of pathogenicity. Review status: criteria provided, conflicting classifications (1 of 4 stars). 28 submissions from 26 submitters: Uncertain significance (2); Benign (6); Likely benign (13). 7 of the submissions do not count toward it. Last evaluated 2026-09-01.

Conditions:
DSP-related disorder. Also called: DSP-related condition; DSP-related disorders.
Cardiovascular phenotype. Identifiers: MedGen CN230736.
Arrhythmogenic cardiomyopathy with wooly hair and keratoderma. Also called: Carvajal syndrome; Dilated cardiomyopathy with woolly hair and keratoderma; Arrhythmogenic cardiomyopathy with woolly hair and keratoderma; PALMOPLANTAR KERATODERMA WITH LEFT VENTRICULAR CARDIOMYOPATHY AND WOOLLY HAIR. Identifiers: Orphanet 65282, MedGen C1854063, MONDO:0011581, OMIM 605676.
Arrhythmogenic right ventricular dysplasia 8 (ARVD8). Also called: Arrhythmogenic Right Ventricular Dysplasia/Cardiomyopathy 8; ARRHYTHMOGENIC RIGHT VENTRICULAR DYSPLASIA, FAMILIAL, 8; ARRHYTHMOGENIC RIGHT VENTRICULAR CARDIOMYOPATHY 8. Identifiers: MedGen C1843896, MONDO:0011831, OMIM 607450.
Cardiomyopathy (CMYO). Also called: Cardiomyopathies. Identifiers: Orphanet 167848, MedGen C0878544, MONDO:0004994, HP:0001638. Inheritance: Various modes of inheritance.
Woolly hair-skin fragility syndrome (WHSF). Identifiers: Orphanet 293165, MedGen C1843292, MONDO:0957307, OMIM 620415.
Lethal acantholytic epidermolysis bullosa (EBLA). Identifiers: Orphanet 158687, MedGen C1864826, MONDO:0012323, OMIM 609638.
Primary dilated cardiomyopathy (DCM). Also called: Dilated Cardiomyopathy. Identifiers: Orphanet 217604, MedGen C0007193, MeSH D002311, MONDO:0005021, HP:0001644. Inheritance: Various modes of inheritance.

Allele frequency attached by ClinVar (database versions not stated): 1000 Genomes Project 0.00260; 1000 Genomes Project 30x 0.00281; ExAC 0.00392; TOPMed 0.00436; gnomAD 0.00290; ESP Exome Variant Server 0.00331.
gnomAD v4.1: 6,855 of 1,614,150 alleles (0.42%); highest among the groups gnomAD compares: Middle Eastern, 0.82%; 29 homozygotes.

Submissions 1 to 18 of 28:

CeGaT Center for Human Genetics Tuebingen
Classification: Likely benign. Last evaluated: 2026-09-01. Review status: criteria provided, single submitter. Criteria: CeGaT Center For Human Genetics Tuebingen Variant Classification Criteria Version 2. Collection method: clinical testing. Allele origin: germline. Affected: yes. Observed: 57 variant alleles.
Comment: DSP: BS2

Molecular Diagnostic Laboratory for Inherited Cardiovascular Disease, Montreal Heart Institute
Classification: Benign. Last evaluated: 2026-03-27. Review status: criteria provided, single submitter. Criteria: ACMG Guidelines, 2015. Collection method: clinical testing. Allele origin: germline. Affected: no.

Labcorp Genetics (formerly Invitae), Labcorp
Classification: Benign for Arrhythmogenic cardiomyopathy with wooly hair and keratoderma; Arrhythmogenic right ventricular dysplasia 8. Last evaluated: 2026-02-04. Review status: criteria provided, single submitter. Criteria: Invitae Variant Classification Sherloc (09022015). Collection method: clinical testing. Allele origin: germline.

Blueprint Genetics
Classification: Likely benign. Last evaluated: 2024-11-26. Review status: criteria provided, single submitter. Criteria: ACMG Guidelines, 2015. Collection method: clinical testing. Allele origin: germline.

All of Us Research Program, National Institutes of Health
Classification: Likely benign for Arrhythmogenic cardiomyopathy with wooly hair and keratoderma. Last evaluated: 2024-09-23. Review status: criteria provided, single submitter. Criteria: ACMG Guidelines, 2015. Collection method: clinical testing. Allele origin: germline. Inheritance: Autosomal dominant inheritance. Observed: 1,379 variant alleles, 1,375 heterozygotes, 4 homozygotes.
Comment: This study involves interpretation of variants in research participants for the purpose of population health screening. Participant phenotype was not available at the time of variant classification. Additional details can be found in publication PMID: 35346344, PMCID: PMC8962531

Mayo Clinic Laboratories, Mayo Clinic
Classification: Benign. Last evaluated: 2024-08-27. Review status: criteria provided, single submitter. Criteria: ACMG Guidelines, 2015. Collection method: clinical testing. Allele origin: germline. Observed: 5 variant alleles.
Comment: BS1, BS2

ARUP Laboratories, Molecular Genetics and Genomics, ARUP Laboratories
Classification: Benign. Last evaluated: 2023-11-14. Review status: criteria provided, single submitter. Criteria: ARUP Molecular Germline Variant Investigation Process 2024. Collection method: clinical testing. Allele origin: germline.

Broad Center for Mendelian Genomics, Broad Institute of MIT and Harvard
Classification: Likely benign. Last evaluated: 2020-01-22. Review status: criteria provided, single submitter. Criteria: ACMG Guidelines, 2015. Collection method: curation. Allele origin: germline.
Comment: The heterozygous p.Asp2070Asn variant in DSP has been reported in 1 individual with arrhythmogenic cardiomyopathy (ACM), 2 with dilated cardiomyopathy (DCM), 1 with idiopathic ventricular fibrillation, and 1 suspected to have a genetic cardiovascular disease (PMID: 30820396, 25661095, 24503780, 26743238), and has been identified in 0.7910% (82/10366) of Ashkenazi Jewish chromosomes, 0.5636% (725/128630) of European (non-Finnish) chromosomes, and 0.5166% (183/35426) of Latino chromosomes by the Genome Aggregation Database (gnomAD; dbSNP rs41302885). At least 3 affected individuals with this variant have an alternative molecular basis for DCM or ACM, suggesting that this variant may not be pathogenic (PMID: 24503780, 30820396; Variation ID: 45063). This variant has also been reported as benign, likely benign, and a VUS in ClinVar (Variation ID: 44936). The Aspartate (Asp) at position 2070 is highly conserved in mammals and evolutionary distant species, but one mammal (Wallaby) carries a Asparagine (Asn), supporting that this change at this position may be tolerated. Additional computational prediction tools do not provide strong support for or against an impact to the protein. In summary, although additional studies are required to fully establish its clinical significance, this variant is likely benign. ACMG/AMP Criteria applied: BS1, BP5 (Richards 2015).

GeneDx
Classification: Benign. Last evaluated: 2019-09-23. Review status: criteria provided, single submitter. Criteria: GeneDx Variant Classification Process June 2021. Collection method: clinical testing. Allele origin: germline. Affected: yes.
Comment: This variant is associated with the following publications: (PMID: 25661095, 26073755, 26743238, 26498160, 24503780, 30972196, 31028937, 33232181)

Ambry Genetics
Classification: Likely benign for Cardiovascular phenotype. Last evaluated: 2018-09-21. Review status: criteria provided, single submitter. Criteria: Ambry Variant Classification Scheme 2023. Collection method: clinical testing. Allele origin: germline.

Color Diagnostics, LLC DBA Color Health
Classification: Likely benign for Cardiomyopathy. Last evaluated: 2018-03-08. Review status: criteria provided, single submitter. Criteria: ACMG Guidelines, 2015. Collection method: clinical testing. Allele origin: germline.

CHEO Genetics Diagnostic Laboratory, Children's Hospital of Eastern Ontario
Classification: Benign for Cardiomyopathy. Last evaluated: 2018-01-29. Review status: criteria provided, single submitter. Criteria: ACMG Guidelines, 2015. Collection method: clinical testing. Allele origin: germline.

Illumina Laboratory Services, Illumina
Classification: Likely benign for Arrhythmogenic right ventricular dysplasia 8. Last evaluated: 2017-04-27. Review status: criteria provided, single submitter. Criteria: ICSL Variant Classification Criteria 13 December 2019. Collection method: clinical testing. Allele origin: germline.
Comment: This variant was observed as part of a predisposition screen in an ostensibly healthy population. A literature search was performed for the gene, cDNA change, and amino acid change (where applicable). Publications were found based on this search. The evidence from the literature, in combination with allele frequency data from public databases where available, was sufficient to determine this variant is unlikely to cause disease. Therefore, this variant is classified as likely benign.

Illumina Laboratory Services, Illumina
Classification: Likely benign for Arrhythmogenic cardiomyopathy with wooly hair and keratoderma. Last evaluated: 2017-04-27. Review status: criteria provided, single submitter. Criteria: ICSL Variant Classification Criteria 13 December 2019. Collection method: clinical testing. Allele origin: germline.
Comment: This variant was observed as part of a predisposition screen in an ostensibly healthy population. A literature search was performed for the gene, cDNA change, and amino acid change (where applicable). No publications were found based on this search. Allele frequency data from public databases allowed determination this variant is unlikely to cause disease. Therefore, this variant is classified as likely benign.

Illumina Laboratory Services, Illumina
Classification: Likely benign for Lethal acantholytic epidermolysis bullosa. Last evaluated: 2017-04-27. Review status: criteria provided, single submitter. Criteria: ICSL Variant Classification Criteria 13 December 2019. Collection method: clinical testing. Allele origin: germline.
Comment: the same text as in the submission from Illumina Laboratory Services, Illumina above.

Center for Pediatric Genomic Medicine, Children's Mercy Hospital and Clinics
Classification: Likely benign. Last evaluated: 2015-09-29. Review status: criteria provided, single submitter. Criteria: ACMG Guidelines, 2015. Collection method: clinical testing. Allele origin: germline.
ClinVar note: Converted during submission from Likely Benign to Likely benign.

Laboratory for Molecular Medicine, Mass General Brigham Personalized Medicine
Classification: Likely benign. Last evaluated: 2015-03-24. Review status: criteria provided, single submitter. Criteria: LMM Criteria. Collection method: clinical testing. Allele origin: germline. Observed: 18 variant alleles.
Comment: p.Asp2070Asn in exon 24 of DSP: This variant is not expected to have clinical si gnificance because it has been identified in 0.6% (393/65968) of European chromo somes, including 2 homozygotes, by the Exome Aggregation Consortium (ExAC; dbSNP rs41302885).

Eurofins Ntd Llc (ga)
Classification: Likely benign. Last evaluated: 2014-09-01. Review status: criteria provided, single submitter. Criteria: EGL Classification Definitions 2015. Collection method: clinical testing. Allele origin: germline. Observed: 1 variant allele, 1 heterozygote.

NM_004415.4(DSP):c.6208G>A (p.Asp2070Asn)

Gene: DSP (desmoplakin; plus strand). Cytogenetic location: 6p24.3.
Variant type: single nucleotide variant.
Coding change: c.6208G>A on transcript NM_004415.4 (MANE Select); coding-DNA position 6208, G replaced by A.
Protein change: p.Asp2070Asn; replaces aspartic acid 2070 with asparagine.
Molecular consequence: missense variant.
Genome position (GRCh38, 1-based): chr6:7,583,470, G>A. VCF-style: chr6-7583470-G-A. GRCh37 (hg19) VCF-style: chr6-7583703-G-A.
Other names: p.D2070N:GAC>AAC; c.4411G>A, p.Asp1471Asn (NM_001008844.3); c.4879G>A, p.Asp1627Asn (NM_001319034.2); short protein forms D2070N, D1471N, D1627N.
Identifiers: ClinVar variation 44936 (VCV000044936.89), dbSNP rs41302885, ClinGen allele CA006778.